The following is an entry in ClinVar:

ClinVar aggregate classification (germline): Uncertain significance (1 of 4 stars; one submission).

Allele frequency attached by ClinVar (database versions not stated): gnomAD exomes below 0.00001.
gnomAD v4.1: 1 of 1,491,456 alleles (0.000067%); highest among the groups gnomAD compares: Non-Finnish European, 0.000089%; no homozygotes.

Submission:

Labcorp Genetics (formerly Invitae), Labcorp
Classification: Uncertain significance. Last evaluated: 2022-10-10. Review status: criteria provided, single submitter. Criteria: Invitae Variant Classification Sherloc (09022015). Collection method: clinical testing. Allele origin: germline.
Comment: In summary, the available evidence is currently insufficient to determine the role of this variant in disease. Therefore, it has been classified as a Variant of Uncertain Significance. Algorithms developed to predict the effect of missense changes on protein structure and function are either unavailable or do not agree on the potential impact of this missense change (SIFT: "Deleterious"; PolyPhen-2: "Benign"; Align-GVGD: "Class C0"). This variant has not been reported in the literature in individuals affected with LEMD3-related conditions. This variant is not present in population databases (gnomAD no frequency). This sequence change replaces threonine, which is neutral and polar, with proline, which is neutral and non-polar, at codon 75 of the LEMD3 protein (p.Thr75Pro).

NM_014319.5(LEMD3):c.223A>C (p.Thr75Pro)

Gene: LEMD3 (LEM domain containing 3; plus strand). Cytogenetic location: 12q14.3.
Variant type: single nucleotide variant.
Coding change: c.223A>C on transcript NM_014319.5 (MANE Select); coding-DNA position 223, A replaced by C.
Protein change: p.Thr75Pro; replaces threonine 75 with proline.
Molecular consequence: missense variant.
Genome position (GRCh38, 1-based): chr12:65,169,819, A>C. VCF-style: chr12-65169819-A-C. GRCh37 (hg19) VCF-style: chr12-65563599-A-C.
Other names: c.223A>C, p.Thr75Pro (NM_001167614.2); short protein forms T75P.
Identifiers: ClinVar variation 1721398 (VCV001721398.5), dbSNP rs1868453087, ClinGen allele CA385672145.
Genomic context (GRCh38, chr12:65,169,819, plus strand): 5'-CGGTCAGGGGGCCGCGGCAACAAGACGCGGAACAGTAATAACAATAACACGGCAGCCGCC[A>C]CGGTCGCAGCCGCGGGACCAGCGGCGGCGGCGGCCGCGGGGATGGGGGTCCGGCCGGTCT-3'
Protein context (NP_055134.2, residues 65-85): NSNNNNTAAA[Thr75Pro]VAAAGPAAAA